The following is an entry in ClinVar:

NM_001114753.3(ENG):c.314T>A (p.Val105Asp)

Gene: ENG (endoglin; minus strand). Cytogenetic location: 9q34.11.
Variant type: single nucleotide variant.
Coding change: c.314T>A on transcript NM_001114753.3 (MANE Select); coding-DNA position 314, T replaced by A.
Protein change: p.Val105Asp; replaces valine 105 with aspartic acid.
Molecular consequence: missense variant. On other transcripts: 5 prime UTR variant (1).
Genome position (GRCh38, 1-based): chr9:127,829,733, A>T on the plus strand (T>A on the coding strand, the complement: ENG is on the minus strand). VCF-style: chr9-127829733-A-T. GRCh37 (hg19) VCF-style: chr9-130592012-A-T.
Other names: c.314T>A, p.Val105Asp (NM_000118.4, NM_001406715.1); c.-233T>A (NM_001278138.2); short protein forms V105D.
Identifiers: ClinVar variation 665710 (VCV000665710.12), dbSNP rs1588585880, ClinGen allele CA374985916.

ClinVar aggregate classification (germline): Pathogenic (1 of 4 stars; one submission).

Conditions:
Hereditary hemorrhagic telangiectasia (HHT). Also called: ORW DISEASE; Osler Weber Rendu syndrome; OSLER-RENDU-WEBER DISEASE; Osler hemorrhagic telangiectasia syndrome. Identifiers: Orphanet 774, MedGen C0039445, MONDO:0019180. Disease mechanism: loss of function.

Submission:

Labcorp Genetics (formerly Invitae), Labcorp
Classification: Pathogenic for Hereditary hemorrhagic telangiectasia. Last evaluated: 2019-11-19. Review status: criteria provided, single submitter. Criteria: Invitae Variant Classification Sherloc (09022015). Collection method: clinical testing. Allele origin: germline.
Comment: For these reasons, this variant has been classified as Pathogenic. Algorithms developed to predict the effect of missense changes on protein structure and function are either unavailable or do not agree on the potential impact of this missense change (SIFT: "Deleterious"; PolyPhen-2: "Possibly Damaging"; Align-GVGD: "Class C0"). This variant has been observed in to segregate in a family affected with hereditary hemorrhagic telangiectasia and has been observed in unrelated individuals affected with this condition (PMID: 16752392, 22991266, Invitae). This variant is not present in population databases (ExAC no frequency). This sequence change replaces valine with aspartic acid at codon 105 of the ENG protein (p.Val105Asp). The valine residue is weakly conserved and there is a large physicochemical difference between valine and aspartic acid.

Literature cited by the submitters: PubMed 16752392; PubMed 22991266.